The following is an entry in ClinVar:

NM_015557.3(CHD5):c.3905A>T (p.Glu1302Val)

Gene: CHD5 (chromodomain helicase DNA binding protein 5; minus strand). Cytogenetic location: 1p36.31.
Variant type: single nucleotide variant.
Coding change: c.3905A>T on transcript NM_015557.3 (MANE Select); coding-DNA position 3905, A replaced by T.
Protein change: p.Glu1302Val; replaces glutamic acid 1302 with valine.
Molecular consequence: missense variant.
Genome position (GRCh38, 1-based): chr1:6,126,745, T>A on the plus strand (A>T on the coding strand, the complement: CHD5 is on the minus strand). VCF-style: chr1-6126745-T-A. GRCh37 (hg19) VCF-style: chr1-6186805-T-A.
Other names: short protein forms E1302V.
Identifiers: ClinVar variation 3832821 (VCV003832821.3).

ClinVar aggregate classification (germline): Uncertain significance. Review status: criteria provided, multiple submitters, no conflicts (2 of 4 stars). 2 submissions from 2 submitters: Uncertain significance (2). Last evaluated 2025-02-23.

Conditions:
Inborn genetic diseases. Identifiers: MedGen C0950123, MeSH D030342.

gnomAD v4.1: 2 of 1,612,700 alleles (0.00012%); highest among the groups gnomAD compares: Non-Finnish European, 0.00017%; no homozygotes.

Submissions (2):

Ambry Genetics
Classification: Uncertain significance for Inborn genetic diseases. Last evaluated: 2025-02-23. Review status: criteria provided, single submitter. Criteria: Ambry Variant Classification Scheme 2023. Collection method: clinical testing. Allele origin: germline.

Dasa
Classification: Uncertain significance. Last evaluated: 2024-11-25. Review status: criteria provided, single submitter. Criteria: DASA Assertion Criteria. Collection method: clinical testing. Allele origin: germline.
Comment: NM_015557.3(CHD5):c.3905A>T (p.Glu1302Val) is a missense variant that results in the substitution of glutamic acid with valine. This variant is rare in population databases. Computational prediction algorithms are consistent with a deleterious effect. The currently available literature and clinical evidence are not sufficient to establish a definitive association between this variant and the reported condition. Therefore, this variant is classified as a variant of uncertain significance.